The following is an entry in ClinVar:

NM_001144869.3(LIPT2):c.690C>T (p.Pro230=)

Gene: LIPT2 (lipoyl(octanoyl) transferase 2; minus strand). Cytogenetic location: 11q13.4.
Variant type: single nucleotide variant.
Coding change: c.690C>T on transcript NM_001144869.3 (MANE Select); coding-DNA position 690, C replaced by T.
Protein change: p.Pro230=; no amino-acid change (proline 230 retained).
Molecular consequence: synonymous variant. On other transcripts: 3 prime UTR variant (2).
Genome position (GRCh38, 1-based): chr11:74,492,141, G>A on the plus strand (C>T on the coding strand, the complement: LIPT2 is on the minus strand). VCF-style: chr11-74492141-G-A. GRCh37 (hg19) VCF-style: chr11-74203186-G-A.
Other names: c.*104C>T (NM_001329941.2, NM_001329942.2).
Identifiers: ClinVar variation 771448 (VCV000771448.17), dbSNP rs147957229, ClinGen allele CA6184895.
Genomic context (GRCh38, chr11:74,492,141, plus strand): 5'-AGTCAGACTTCATGCTTCCCAAGGCAGGAGCATCCTGGCTGTTATGAGTACTCTTCAGTT[G>A]GGGCTGTCCTCTGAGATCAGTGTGCACTTGTAGATCTCCTTAAAGGCCACAAGGAAAGGT-3'
Protein context (NP_001138341.1, residues 220-231): YKCTLISEDS[Pro230=]N

ClinVar aggregate classification (germline): Benign/Likely benign. Review status: criteria provided, multiple submitters, no conflicts (2 of 4 stars). 5 submissions from 5 submitters: Benign (3); Likely benign (1). 1 of the submissions does not count toward it. Last evaluated 2026-02-01.

Conditions:
LIPT2-related disorder. Also called: LIPT2-related condition.
Encephalopathy, neonatal severe, with lactic acidosis and brain abnormalities (NELABA). Also called: Lipoyl transferase 2 deficiency; LIPOYLTRANSFERASE 2 DEFICIENCY. Identifiers: Orphanet 447795, MedGen C5681203, MONDO:0060562, OMIM 617668.

Allele frequency attached by ClinVar (database versions not stated): ExAC 0.00144; ESP Exome Variant Server 0.00153; gnomAD 0.00457 and 0.00475; TOPMed 0.00747; 1000 Genomes Project 0.00759; 1000 Genomes Project 30x 0.00906.
gnomAD v4.1: 3,492 of 1,550,706 alleles (0.23%); highest among the groups gnomAD compares: Admixed American, 6%; 140 homozygotes.

Submissions (5):

Labcorp Genetics (formerly Invitae), Labcorp
Classification: Benign. Last evaluated: 2026-02-01. Review status: criteria provided, single submitter. Criteria: Invitae Variant Classification Sherloc (09022015). Collection method: clinical testing. Allele origin: germline.

Fulgent Genetics
Classification: Likely benign for Encephalopathy, neonatal severe, with lactic acidosis and brain abnormalities. Last evaluated: 2021-12-13. Review status: criteria provided, single submitter. Criteria: ACMG Guidelines, 2015. Collection method: clinical testing. Allele origin: unknown.

GeneDx
Classification: Benign. Last evaluated: 2021-05-05. Review status: criteria provided, single submitter. Criteria: GeneDx Variant Classification Process June 2021. Collection method: clinical testing. Allele origin: germline. Affected: yes.

Breakthrough Genomics
Classification: Benign. Review status: criteria provided, single submitter. Criteria: ACMG Guidelines, 2015. Collection method: not provided. Allele origin: germline. Inheritance: Autosomal recessive inheritance. Affected: yes.

PreventionGenetics, part of Exact Sciences
Classification: Benign for LIPT2-related condition. Last evaluated: 2019-09-27. Review status: no assertion criteria provided. Collection method: clinical testing. Allele origin: germline. Not counted in ClinVar's aggregate classification.
Comment: This variant is classified as benign based on ACMG/AMP sequence variant interpretation guidelines (Richards et al. 2015 PMID: 25741868, with internal and published modifications).